The following is an entry in ClinVar:

NM_001243925.2(MAPKAPK3):c.86G>C (p.Gly29Ala)

Gene: MAPKAPK3 (MAPK activated protein kinase 3; plus strand). Cytogenetic location: 3p21.2.
Variant type: single nucleotide variant.
Coding change: c.86G>C on transcript NM_001243925.2 (MANE Select); coding-DNA position 86, G replaced by C.
Protein change: p.Gly29Ala; replaces glycine 29 with alanine.
Molecular consequence: missense variant.
Genome position (GRCh38, 1-based): chr3:50,617,651, G>C. VCF-style: chr3-50617651-G-C. GRCh37 (hg19) VCF-style: chr3-50655082-G-C.
Other names: c.86G>C (NM_004635.4); c.86G>C, p.Gly29Ala (NM_001243926.2, NM_004635.5); short protein forms G29A.
Identifiers: ClinVar variation 1059278 (VCV001059278.6), dbSNP rs764208748, ClinGen allele CA352961439.
Genomic context (GRCh38, chr3:50,617,651, plus strand): 5'-AGGGGGGCCCTGTGCCCCCGCCAGTTGCACCCGGCGGACCCGGCTTGGGCGGTGCTCCGG[G>C]GGGGCGGCGGGAGCCCAAGAAGTACGCAGTGACCGACGACTACCAGTTGTCCAAGCAGGT-3'
Protein context (NP_001230854.1, residues 19-39): PGGPGLGGAP[Gly29Ala]GRREPKKYAV

ClinVar aggregate classification (germline): Uncertain significance. Review status: criteria provided, multiple submitters, no conflicts (2 of 4 stars). 2 submissions from 2 submitters: Uncertain significance (2). Last evaluated 2025-05-01.

gnomAD v4.1: 11 of 1,610,298 alleles (0.00068%); highest among the groups gnomAD compares: Middle Eastern, 0.017%; no homozygotes.

Submissions (2):

Ambry Genetics
Classification: Uncertain significance. Last evaluated: 2025-05-01. Review status: criteria provided, single submitter. Criteria: Ambry Variant Classification Scheme 2023. Collection method: clinical testing. Allele origin: germline.

Labcorp Genetics (formerly Invitae), Labcorp
Classification: Uncertain significance. Last evaluated: 2022-08-13. Review status: criteria provided, single submitter. Criteria: Invitae Variant Classification Sherloc (09022015). Collection method: clinical testing. Allele origin: germline.
Comment: In summary, the available evidence is currently insufficient to determine the role of this variant in disease. Therefore, it has been classified as a Variant of Uncertain Significance. Algorithms developed to predict the effect of missense changes on protein structure and function output the following: SIFT: "Tolerated"; PolyPhen-2: "Probably Damaging"; Align-GVGD: "Class C0". The alanine amino acid residue is found in multiple mammalian species, which suggests that this missense change does not adversely affect protein function. ClinVar contains an entry for this variant (Variation ID: 1059278). This variant has not been reported in the literature in individuals affected with MAPKAPK3-related conditions. This variant is present in population databases (no rsID available, gnomAD 0.0009%). This sequence change replaces glycine, which is neutral and non-polar, with alanine, which is neutral and non-polar, at codon 29 of the MAPKAPK3 protein (p.Gly29Ala).